The following is an entry in ClinVar:

NM_212482.4(FN1):c.935G>A (p.Ser312Asn)

Gene: FN1 (fibronectin 1; minus strand). Cytogenetic location: 2q35.
Variant type: single nucleotide variant.
Coding change: c.935G>A on transcript NM_212482.4 (MANE Select); coding-DNA position 935, G replaced by A.
Protein change: p.Ser312Asn; replaces serine 312 with asparagine.
Molecular consequence: missense variant.
Genome position (GRCh38, 1-based): chr2:215,425,195, C>T on the plus strand (G>A on the coding strand, the complement: FN1 is on the minus strand). VCF-style: chr2-215425195-C-T. GRCh37 (hg19) VCF-style: chr2-216289918-C-T.
Other names: c.935G>A, p.Ser312Asn (NM_001306129.2, NM_001306130.2, NM_001306131.2 and 14 more transcripts); short protein forms S312N.
Identifiers: ClinVar variation 4806350 (VCV004806350.1).
Genomic context (GRCh38, chr2:215,425,195, plus strand): 5'-AGCATTTGCTTATTTCCTTGTGTCTTCAGCCACTGCATCCCCACAGAGTAGACCACACCA[C>T]TGTCTGTGACACAGTGGCCATAGGGAGGAGGCTGGGGGTGAGGCTGCGGTTGGTAAACAG-3'
Protein context (NP_997647.2, residues 302-322): PPPYGHCVTD[Ser312Asn]GVVYSVGMQW

ClinVar aggregate classification (germline): Uncertain significance (1 of 4 stars; one submission).

gnomAD v4.1: 1 of 1,614,188 alleles (0.000062%); highest among the groups gnomAD compares: Non-Finnish European, 0.000085%; no homozygotes.

Submission:

Labcorp Genetics (formerly Invitae), Labcorp
Classification: Uncertain significance. Last evaluated: 2025-03-04. Review status: criteria provided, single submitter. Criteria: Invitae Variant Classification Sherloc (09022015). Collection method: clinical testing. Allele origin: germline.
Comment: This sequence change replaces serine, which is neutral and polar, with asparagine, which is neutral and polar, at codon 312 of the FN1 protein (p.Ser312Asn). This variant is not present in population databases (gnomAD no frequency). This variant has not been reported in the literature in individuals affected with FN1-related conditions. An algorithm developed to predict the effect of missense changes on protein structure and function (PolyPhen-2) suggests that this variant is likely to be tolerated. In summary, the available evidence is currently insufficient to determine the role of this variant in disease. Therefore, it has been classified as a Variant of Uncertain Significance.